The following is an entry in ClinVar:

NM_000059.4(BRCA2):c.3282G>T (p.Lys1094Asn)

Gene: BRCA2 (BRCA2 DNA repair associated; plus strand). Cytogenetic location: 13q13.1.
Variant type: single nucleotide variant.
Coding change: c.3282G>T on transcript NM_000059.4 (MANE Select); coding-DNA position 3282, G replaced by T.
Protein change: p.Lys1094Asn; replaces lysine 1094 with asparagine.
Molecular consequence: missense variant. On other transcripts: non-coding transcript variant (1), intron variant (2).
Genome position (GRCh38, 1-based): chr13:32,337,637, G>T. VCF-style: chr13-32337637-G-T. GRCh37 (hg19) VCF-style: chr13-32911774-G-T.
Other names: c.3282G>T, p.Lys1094Asn (NM_001406719.1, NM_001406720.1, NM_001432077.1); c.1909+4250G>T (NM_001406721.1); c.424+6607G>T (NM_001406722.1); short protein forms K1094N.
Identifiers: ClinVar variation 4802296 (VCV004802296.1).

ClinVar aggregate classification (germline): Uncertain significance (1 of 4 stars; one submission).

Conditions:
Hereditary breast ovarian cancer syndrome. Also called: Hereditary breast and ovarian cancer syndrome (HBOC); Hereditary breast and ovarian cancer; Breast and ovarian cancer; Hereditary breast and/or ovarian cancer syndrome; BRCA1- and BRCA2-Associated Hereditary Breast and Ovarian Cancer; Hereditary breast and ovarian cancer syndrome. Identifiers: Orphanet 145, MedGen C0677776, MeSH D061325, MONDO:0003582. Disease mechanism: loss of function.

Submission:

Labcorp Genetics (formerly Invitae), Labcorp
Classification: Uncertain significance for Hereditary breast ovarian cancer syndrome. Last evaluated: 2026-01-04. Review status: criteria provided, single submitter. Criteria: Invitae Variant Classification Sherloc (09022015). Collection method: clinical testing. Allele origin: germline.
Comment: This sequence change replaces lysine, which is basic and polar, with asparagine, which is neutral and polar, at codon 1094 of the BRCA2 protein (p.Lys1094Asn). This variant is not present in population databases (gnomAD no frequency). This variant has not been reported in the literature in individuals affected with BRCA2-related conditions. Invitae Evidence Modeling of protein sequence and biophysical properties (such as structural, functional, and spatial information, amino acid conservation, physicochemical variation, residue mobility, and thermodynamic stability) indicates that this missense variant is not expected to disrupt BRCA2 protein function with a negative predictive value of 95%. In summary, the available evidence is currently insufficient to determine the role of this variant in disease. Therefore, it has been classified as a Variant of Uncertain Significance.